The following is an entry in ClinVar:

ClinVar aggregate classification (germline): Uncertain significance. Review status: criteria provided, multiple submitters, no conflicts (2 of 4 stars). 2 submissions from 2 submitters: Uncertain significance (2). Last evaluated 2025-01-27.

Conditions:
Fanconi anemia complementation group J. Also called: BRIP1-Related Fanconi Anemia. Identifiers: Orphanet 84, MedGen C1836860, MONDO:0012187, OMIM 609054.
Familial cancer of breast. Also called: BREAST CANCER, FAMILIAL; Hereditary breast cancer; hereditary breast carcinoma. Identifiers: Orphanet 227535, MedGen C0346153, MONDO:0016419, OMIM 114480. Disease mechanism: loss of function.
Hereditary cancer-predisposing syndrome. Also called: Hereditary neoplastic syndrome; Hereditary Cancer Syndrome; Tumor predisposition; Neoplastic Syndromes, Hereditary. Identifiers: Orphanet 140162, MedGen C0027672, MeSH D009386, MONDO:0015356.

Submissions (2):

Ambry Genetics
Classification: Uncertain significance for Hereditary cancer-predisposing syndrome. Last evaluated: 2025-01-27. Review status: criteria provided, single submitter. Criteria: Ambry Variant Classification Scheme 2023. Collection method: clinical testing. Allele origin: germline.
Comment: The p.T733I variant (also known as c.2198C>T), located in coding exon 14 of the BRIP1 gene, results from a C to T substitution at nucleotide position 2198. The threonine at codon 733 is replaced by isoleucine, an amino acid with similar properties. This amino acid position is conserved. In addition, this alteration is predicted to be tolerated by in silico analysis. Based on the available evidence, the clinical significance of this variant remains unclear.

Labcorp Genetics (formerly Invitae), Labcorp
Classification: Uncertain significance for Familial cancer of breast; Fanconi anemia complementation group J. Last evaluated: 2020-11-12. Review status: criteria provided, single submitter. Criteria: Invitae Variant Classification Sherloc (09022015). Collection method: clinical testing. Allele origin: germline.
Comment: This sequence change replaces threonine with isoleucine at codon 733 of the BRIP1 protein (p.Thr733Ile). The threonine residue is moderately conserved and there is a moderate physicochemical difference between threonine and isoleucine. This variant is not present in population databases (ExAC no frequency). This variant has not been reported in the literature in individuals with BRIP1-related conditions. Algorithms developed to predict the effect of missense changes on protein structure and function output the following: SIFT: "Tolerated"; PolyPhen-2: "Benign"; Align-GVGD: "Class C0". The isoleucine amino acid residue is found in multiple mammalian species, suggesting that this missense change does not adversely affect protein function. These predictions have not been confirmed by published functional studies and their clinical significance is uncertain. In summary, the available evidence is currently insufficient to determine the role of this variant in disease. Therefore, it has been classified as a Variant of Uncertain Significance.

NM_032043.3(BRIP1):c.2198C>T (p.Thr733Ile)

Gene: BRIP1 (BRCA1 interacting DNA helicase 1; minus strand). Cytogenetic location: 17q23.2.
Variant type: single nucleotide variant.
Coding change: c.2198C>T on transcript NM_032043.3 (MANE Select); coding-DNA position 2198, C replaced by T.
Protein change: p.Thr733Ile; replaces threonine 733 with isoleucine.
Molecular consequence: missense variant.
Genome position (GRCh38, 1-based): chr17:61,744,491, G>A on the plus strand (C>T on the coding strand, the complement: BRIP1 is on the minus strand). VCF-style: chr17-61744491-G-A. GRCh37 (hg19) VCF-style: chr17-59821852-G-A.
Other names: short protein forms T733I.
Identifiers: ClinVar variation 964488 (VCV000964488.11), dbSNP rs2077031435, ClinGen allele CA400483015.
Genomic context (GRCh38, chr17:61,744,491, plus strand): 5'-CCTTTCTCTCCTTTGTATTTGATTGCGTCATAGTACACCTGCAGTAATTCATCAAAATTT[G>A]TTTTTTCTCCTCCCTGTGGTTCTACAATGACTGTCTTCACCAACTCCAGATTATGCCATA-3'
Protein context (NP_114432.2, residues 723-743): VIVEPQGGEK[Thr733Ile]NFDELLQVYY